The following is an entry in ClinVar:

ClinVar aggregate classification (germline): Likely benign. Review status: criteria provided, multiple submitters, no conflicts (2 of 4 stars). 4 submissions from 4 submitters: Likely benign (4). Last evaluated 2026-08-19.

Conditions:
Aortic aneurysm, familial thoracic 6 (AAT6). Also called: FAMILIAL THORACIC AORTIC ANEURYSM WITH LIVEDO RETICULARIS AND IRIS FLOCCULI. Identifiers: MedGen C2673186, MONDO:0012730, OMIM 611788.
Familial thoracic aortic aneurysm and aortic dissection (TAAD). Also called: Thoracic aortic aneurysms and dissections. Identifiers: Orphanet 91387, MedGen C4707243, MONDO:0019625.

Allele frequency attached by ClinVar (database versions not stated): ExAC 0.00001; TOPMed 0.00002; gnomAD exomes 0.00004; gnomAD 0.00001.
gnomAD v4.1: 54 of 1,613,812 alleles (0.0033%); highest among the groups gnomAD compares: Non-Finnish European, 0.0045%; no homozygotes.

Submissions (4):

Ambry Genetics
Classification: Likely benign for Familial thoracic aortic aneurysm and aortic dissection. Last evaluated: 2026-08-19. Review status: criteria provided, single submitter. Criteria: Ambry Variant Classification Scheme 2023. Collection method: clinical testing. Allele origin: germline.

Blueprint Genetics
Classification: Likely benign. Last evaluated: 2024-03-28. Review status: criteria provided, single submitter. Criteria: ACMG Guidelines, 2015. Collection method: clinical testing. Allele origin: germline.

All of Us Research Program, National Institutes of Health
Classification: Likely benign for Familial thoracic aortic aneurysm and aortic dissection. Last evaluated: 2023-09-17. Review status: criteria provided, single submitter. Criteria: ACMG Guidelines, 2015. Collection method: clinical testing. Allele origin: germline. Inheritance: Autosomal dominant inheritance. Observed: 1 variant allele, 1 heterozygote.
Comment: This study involves interpretation of variants in research participants for the purpose of population health screening. Participant phenotype was not available at the time of variant classification. Additional details can be found in publication PMID: 35346344, PMCID: PMC8962531

Labcorp Genetics (formerly Invitae), Labcorp
Classification: Likely benign for Aortic aneurysm, familial thoracic 6. Last evaluated: 2023-06-27. Review status: criteria provided, single submitter. Criteria: Invitae Variant Classification Sherloc (09022015). Collection method: clinical testing. Allele origin: germline.

NM_001613.4(ACTA2):c.978C>T (p.Thr326=)

Genes: ACTA2 (actin alpha 2, smooth muscle; minus strand), ACTA2-AS1 (ACTA2 antisense RNA 1; plus strand). Cytogenetic location: 10q23.31.
Variant type: single nucleotide variant.
Coding change: c.978C>T on transcript NM_001613.4 (MANE Select); coding-DNA position 978, C replaced by T.
Protein change: p.Thr326=; no amino-acid change (threonine 326 retained).
Molecular consequence: synonymous variant.
Genome position (GRCh38, 1-based): chr10:88,938,073, G>A on the plus strand (C>T on the coding strand, the complement: ACTA2 is on the minus strand). VCF-style: chr10-88938073-G-A. GRCh37 (hg19) VCF-style: chr10-90697830-G-A.
Other names: c.978C>T, p.Thr326= (NM_001141945.3, NM_001320855.2, NM_001406462.1 and 2 more transcripts); c.867C>T, p.Thr289= (NM_001406466.1); c.849C>T, p.Thr283= (NM_001406467.1, NM_001406468.1, NM_001406469.1); c.786C>T, p.Thr262= (NM_001406471.1).
Identifiers: ClinVar variation 2200317 (VCV002200317.7), dbSNP rs766393962, ClinGen allele CA030146.